The following is an entry in ClinVar:

NM_144997.7(FLCN):c.1329_1332dup (p.Ala445fs)

Gene: FLCN (folliculin; minus strand). Cytogenetic location: 17p11.2.
Variant type: Duplication.
Coding change: c.1329_1332dup on transcript NM_144997.7 (MANE Select); coding-DNA positions 1329 to 1332, 4 bases duplicated (AGCC; older notation c.1329_1332dupAGCC).
Protein change: p.Ala445fs; shifts the reading frame from alanine 445.
Molecular consequence: frameshift variant.
Genome position (GRCh38, 1-based): chr17:17,215,285-17,215,288, GGCT duplicated on the plus strand (AGCC on the coding strand, the reverse complement: FLCN is on the minus strand); duplicating any 4 consecutive bases within chr17:17,215,285-17,215,289 gives the same sequence; the c. name uses the placement nearest the transcript's 3' end. VCF-style (leftmost placement, unchanged base first): chr17-17215284-C-CGGCT. GRCh37 (hg19) VCF-style: chr17-17118598-C-CGGCT.
Other names: c.1329_1332dup (LRG_325t1); c.1383_1386dup, p.Ala463fs (NM_001353229.2); c.1329_1332dup, p.Ala445fs (NM_001353230.2, NM_001353231.2); c.1329_1332dupAGCC (NM_144997.5); short protein forms A445fs, A463fs.
Identifiers: ClinVar variation 426738 (VCV000426738.4), dbSNP rs1085307771, ClinGen allele CA645294094.
Genomic context (GRCh38, chr17:17,215,284, plus strand): 5'-ACTCGTACTTGCTGAGAGACTGGTCATCCTCACACCCCACAGGGTGGAGGGTGGAACGTG[C>CGGCT]GGCTGCGTGGACCTCCACGATGACAGCAAACTCTGTAACAACACAAGGCCCGTGGCTCCT-3'

ClinVar aggregate classification (germline): Pathogenic. Review status: criteria provided, multiple submitters, no conflicts (2 of 4 stars). 3 submissions from 3 submitters: Pathogenic (3). Last evaluated 2025-07-30.

Conditions:
Hereditary cancer-predisposing syndrome. Also called: Hereditary neoplastic syndrome; Hereditary Cancer Syndrome; Neoplastic Syndromes, Hereditary; Tumor predisposition. Identifiers: Orphanet 140162, MedGen C0027672, MeSH D009386, MONDO:0015356.
Birt-Hogg-Dube syndrome. Also called: Birt Hogg Dubé syndrome. Identifiers: Orphanet 122, MedGen C0346010, MONDO:0800444.

Submissions (3):

Labcorp Genetics (formerly Invitae), Labcorp
Classification: Pathogenic for Birt-Hogg-Dube syndrome. Last evaluated: 2025-07-30. Review status: criteria provided, single submitter. Criteria: Invitae Variant Classification Sherloc (09022015). Collection method: clinical testing. Allele origin: germline.
Comment: This sequence change creates a premature translational stop signal (p.Ala445Serfs*12) in the FLCN gene. It is expected to result in an absent or disrupted protein product. Loss-of-function variants in FLCN are known to be pathogenic (PMID: 15852235). This variant is not present in population databases (gnomAD no frequency). This premature translational stop signal has been observed in individual(s) with Birt-Hogg-Dube syndrome (PMID: 35477461). ClinVar contains an entry for this variant (Variation ID: 426738). For these reasons, this variant has been classified as Pathogenic.

Ambry Genetics
Classification: Pathogenic for Hereditary cancer-predisposing syndrome. Last evaluated: 2024-10-11. Review status: criteria provided, single submitter. Criteria: Ambry Variant Classification Scheme 2023. Collection method: clinical testing. Allele origin: germline.
Comment: The c.1329_1332dupAGCC pathogenic mutation, located in coding exon 9 of the FLCN gene, results from a duplication of AGCC at nucleotide position 1329, causing a translational frameshift with a predicted alternate stop codon (p.A445Sfs*12). This variant was detected in a patient with a personal history of 2 spontaneous pneumothoraces (Ray A et al. Orphanet J Rare Dis, 2022 Apr;17:176). This variant is considered to be rare based on population cohorts in the Genome Aggregation Database (gnomAD). This alteration is expected to result in loss of function by premature protein truncation or nonsense-mediated mRNA decay. As such, this alteration is interpreted as a disease-causing mutation.

GeneDx
Classification: Pathogenic. Last evaluated: 2017-04-06. Review status: criteria provided, single submitter. Criteria: GeneDx Variant Classification (06012015). Collection method: clinical testing. Allele origin: germline. Affected: yes.
Comment: The c.1329_1332dupAGCC pathogenic variant in the FLCN gene causes a frameshift starting with codon Alanine 445, changes this amino acid to a Serine residue and creates a premature Stop codon at position 12 of the new reading frame, denoted p.Ala445SerfsX12. This pathogenic variant is predicted to cause loss of normal protein function either through protein truncation or nonsense-mediated mRNA decay. The c.1329_1332dupAGCC variant is not observed in large population cohorts (Lek et al., 2016; 1000 Genomes Consortium et al., 2015; Exome Variant Server). Although this pathogenic variant has not been previously reported to our knowledge, its presence is consistent with the diagnosis of Birt-Hogg-Dube syndrome

Literature cited by the submitters: PubMed 15852235 (cited by Labcorp Genetics (formerly Invitae), Labcorp); PubMed 35477461 (cited by Labcorp Genetics (formerly Invitae), Labcorp and Ambry Genetics).